The following is an entry in ClinVar:

NM_006031.6(PCNT):c.8542del (p.Glu2848fs)

Gene: PCNT (pericentrin; plus strand). Cytogenetic location: 21q22.3.
Variant type: Deletion.
Coding change: c.8542del on transcript NM_006031.6 (MANE Select); coding-DNA position 8542, one base deleted (G; older notation c.8542delG).
Protein change: p.Glu2848fs; shifts the reading frame from glutamic acid 2848.
Molecular consequence: frameshift variant. On other transcripts: intron variant (1).
Genome position (GRCh38, 1-based): chr21:46,432,006, G deleted; the last of 2 consecutive G bases (chr21:46,432,005-46,432,006); deleting either gives the same sequence. VCF-style (leftmost placement, unchanged base first): chr21-46432004-TG-T. GRCh37 (hg19) VCF-style: chr21-47851918-TG-T.
Other names: c.8542delG (NM_006031.5); c.8160+28del (NM_001315529.2); short protein forms E2848fs.
Identifiers: ClinVar variation 1915818 (VCV001915818.6), dbSNP rs758199462, ClinGen allele CA10080989.

ClinVar aggregate classification (germline): Pathogenic/Likely pathogenic. Review status: criteria provided, multiple submitters, no conflicts (2 of 4 stars). 2 submissions from 2 submitters: Pathogenic (1); Likely pathogenic (1). Last evaluated 2026-09-08.

Conditions:
PCNT-related disorder. Also called: PCNT-related condition.

Submissions (2):

PreventionGenetics, part of Exact Sciences
Classification: Likely pathogenic for PCNT-related condition. Last evaluated: 2026-09-08. Review status: criteria provided, single submitter. Criteria: ACMG Guidelines, 2015. Collection method: clinical testing. Allele origin: germline.
Comment: The PCNT c.8542delG variant is predicted to result in a frameshift and premature protein termination (p.Glu2848Lysfs*10). To our knowledge, this variant has not been reported in the literature. This variant is reported in 0.0058% of alleles in individuals of Latino descent in gnomAD. Frameshift variants in PCNT are expected to be pathogenic. This variant is interpreted as likely pathogenic.

Labcorp Genetics (formerly Invitae), Labcorp
Classification: Pathogenic. Last evaluated: 2025-09-02. Review status: criteria provided, single submitter. Criteria: Invitae Variant Classification Sherloc (09022015). Collection method: clinical testing. Allele origin: germline.
Comment: This sequence change creates a premature translational stop signal (p.Glu2848Lysfs*10) in the PCNT gene. It is expected to result in an absent or disrupted protein product. Loss-of-function variants in PCNT are known to be pathogenic (PMID: 18174396, 22821869). This variant is present in population databases (rs758199462, gnomAD 0.006%). This variant has not been reported in the literature in individuals affected with PCNT-related conditions. ClinVar contains an entry for this variant (Variation ID: 1915818). For these reasons, this variant has been classified as Pathogenic.

Literature cited by the submitters: PubMed 18174396 (cited by Labcorp Genetics (formerly Invitae), Labcorp); PubMed 22821869 (cited by Labcorp Genetics (formerly Invitae), Labcorp).